The following is an entry in ClinVar:

NM_016529.6(ATP8A2):c.2035A>G (p.Ile679Val)

Gene: ATP8A2 (ATPase phospholipid transporting 8A2). Cytogenetic location: 13q12.13.
Variant type: single nucleotide variant.
Coding change: c.2035A>G on transcript NM_016529.6 (MANE Select); coding-DNA position 2035, A replaced by G.
Protein change: p.Ile679Val; replaces isoleucine 679 with valine.
Molecular consequence: missense variant.
Genome position (GRCh38, 1-based): chr13:25,581,846, A>G. VCF-style: chr13-25581846-A-G. GRCh37 (hg19) VCF-style: chr13-26155984-A-G.
Other names: c.2035A>G, p.Ile679Val (NM_001411006.1, NM_001411005.1); c.1915A>G, p.Ile639Val (NM_001313741.1); short protein forms I639V, I679V.
Identifiers: ClinVar variation 1931215 (VCV001931215.5), dbSNP rs779448278, ClinGen allele CA6923171.

ClinVar aggregate classification (germline): Uncertain significance (1 of 4 stars; one submission).

Allele frequency attached by ClinVar (database versions not stated): gnomAD exomes below 0.00001; ExAC 0.00002.
gnomAD v4.1: 5 of 1,614,144 alleles (0.00031%); highest among the groups gnomAD compares: South Asian, 0.0011%; no homozygotes.

Submission:

Labcorp Genetics (formerly Invitae), Labcorp
Classification: Uncertain significance. Last evaluated: 2022-08-19. Review status: criteria provided, single submitter. Criteria: Invitae Variant Classification Sherloc (09022015). Collection method: clinical testing. Allele origin: germline.
Comment: This sequence change replaces isoleucine, which is neutral and non-polar, with valine, which is neutral and non-polar, at codon 679 of the ATP8A2 protein (p.Ile679Val). This variant is present in population databases (rs779448278, gnomAD 0.006%). This variant has not been reported in the literature in individuals affected with ATP8A2-related conditions. Algorithms developed to predict the effect of missense changes on protein structure and function are either unavailable or do not agree on the potential impact of this missense change (SIFT: "Deleterious"; PolyPhen-2: "Probably Damaging"; Align-GVGD: "Class C0"). In summary, the available evidence is currently insufficient to determine the role of this variant in disease. Therefore, it has been classified as a Variant of Uncertain Significance.